The following is an entry in ClinVar:

NM_004999.4(MYO6):c.2449T>G (p.Cys817Gly)

Gene: MYO6 (myosin VI; plus strand). Cytogenetic location: 6q14.1.
Variant type: single nucleotide variant.
Coding change: c.2449T>G on transcript NM_004999.4 (MANE Select); coding-DNA position 2449, T replaced by G.
Protein change: p.Cys817Gly; replaces cysteine 817 with glycine.
Molecular consequence: missense variant. On other transcripts: non-coding transcript variant (1).
Genome position (GRCh38, 1-based): chr6:75,886,036, T>G. VCF-style: chr6-75886036-T-G. GRCh37 (hg19) VCF-style: chr6-76595753-T-G.
Other names: c.2449T>G, p.Cys817Gly (NM_001300899.2, NM_001368136.1, NM_001368137.1 and 2 more transcripts); c.2434T>G, p.Cys812Gly (NM_001368138.1); short protein forms C812G, C817G.
Identifiers: ClinVar variation 4978341 (VCV004978341.1).
Genomic context (GRCh38, chr6:75,886,036, plus strand): 5'-TATCATTTTATTTTACTCTTACACATAGTGAAAAACAAAATAAAATATCGAGCTGAAGCC[T>G]GCATTAAAATGCAAAAAACTATTCGAATGTGGCTTTGCAAGAGGAGACACAAACCTCGGT-3'
Protein context (NP_004990.3, residues 807-827): KNKIKYRAEA[Cys817Gly]IKMQKTIRMW

ClinVar aggregate classification (germline): Uncertain significance (1 of 4 stars; one submission).

Conditions:
MYO6-related disorder. Also called: MYO6-related condition; MYO6-related disorders.

gnomAD v4.1: 21 of 1,611,390 alleles (0.0013%); highest among the groups gnomAD compares: Middle Eastern, 0.017%; 1 homozygote.

Submission:

PreventionGenetics, part of Exact Sciences
Classification: Uncertain significance for MYO6-related condition. Last evaluated: 2026-06-21. Review status: criteria provided, single submitter. Criteria: ACMG Guidelines, 2015. Collection method: clinical testing. Allele origin: germline.
Comment: The MYO6 c.2449T>G variant is predicted to result in the amino acid substitution p.Cys817Gly. To our knowledge, this variant has not been reported in the literature or in a large population database (gnomAD), indicating this variant is rare. At this time, the clinical significance of this variant is uncertain due to the absence of conclusive functional and genetic evidence.